The following is an entry in ClinVar:

NM_018834.6(MATR3):c.*313A>G

Gene: MATR3 (matrin 3; plus strand). Cytogenetic location: 5q31.2.
Variant type: single nucleotide variant.
Coding change: c.*313A>G on transcript NM_018834.6 (MANE Select); 313 bases downstream of the stop codon, A replaced by G.
Molecular consequence: 3 prime UTR variant.
Genome position (GRCh38, 1-based): chr5:139,329,708, A>G. VCF-style: chr5-139329708-A-G. GRCh37 (hg19) VCF-style: chr5-138665397-A-G.
Other names: c.*313A>G (NM_001194954.2, NM_001194955.2, NM_001194956.2 and 2 more transcripts).
Identifiers: ClinVar variation 351152 (VCV000351152.5), dbSNP rs180806333, ClinGen allele CA3433548.

ClinVar aggregate classification (germline): Benign (1 of 4 stars; one submission).

Conditions:
Amyotrophic lateral sclerosis type 21. Also called: VOCAL CORD AND PHARYNGEAL DYSFUNCTION WITH DISTAL MYOPATHY; MYOPATHY, DISTAL, 2. Identifiers: Orphanet 600, Orphanet 803, MedGen C3807521, MONDO:0011632, OMIM 606070.

Allele frequency attached by ClinVar (database versions not stated): gnomAD exomes 0.00051 and 0.00078; ExAC 0.00056; gnomAD 0.00287 and 0.00300; TOPMed 0.00292; 1000 Genomes Project 0.00499; 1000 Genomes Project 30x 0.00531.
gnomAD v4.1: 618 of 464,158 alleles (0.13%); highest among the groups gnomAD compares: African/African-American, 0.93%; 4 homozygotes.

Submission:

Illumina Laboratory Services, Illumina
Classification: Benign for Amyotrophic lateral sclerosis type 21. Last evaluated: 2018-01-13. Review status: criteria provided, single submitter. Criteria: ICSL Variant Classification Criteria 13 December 2019. Collection method: clinical testing. Allele origin: germline.
Comment: This variant was observed in the ICSL laboratory as part of a predisposition screen in an ostensibly healthy population. It had not been previously curated by ICSL or reported in the Human Gene Mutation Database (HGMD: prior to June 1st, 2018), and was therefore a candidate for classification through an automated scoring system. Utilizing variant allele frequency, disease prevalence and penetrance estimates, and inheritance mode, an automated score was calculated to assess if this variant is too frequent to cause the disease. Based on the score and internal cut-off values, a variant classified as benign is not then subjected to further curation. The score for this variant resulted in a classification of benign for this disease.